The following is an entry in ClinVar:

NM_001378615.1(CC2D2A):c.1000T>C (p.Leu334=)

Genes: CC2D2A (coiled-coil and C2 domain containing 2A; plus strand), FBXL5 (F-box and leucine rich repeat protein 5; minus strand). Cytogenetic location: 4p15.32.
Variant type: single nucleotide variant.
Coding change: c.1000T>C on transcript NM_001378615.1 (MANE Select); coding-DNA position 1000, T replaced by C.
Protein change: p.Leu334=; no amino-acid change (leucine 334 retained).
Molecular consequence: synonymous variant.
Genome position (GRCh38, 1-based): chr4:15,515,987, T>C. VCF-style: chr4-15515987-T-C. GRCh37 (hg19) VCF-style: chr4-15517610-T-C.
Other names: c.1000T>C, p.Leu334= (NM_001080522.2); c.853T>C, p.Leu285= (NM_001378617.1).
Identifiers: ClinVar variation 700531 (VCV000700531.10), dbSNP rs780534369, ClinGen allele CA2863534.

ClinVar aggregate classification (germline): Likely benign. Review status: criteria provided, multiple submitters, no conflicts (2 of 4 stars). 2 submissions from 2 submitters: Likely benign (2). Last evaluated 2026-08-01.

Conditions:
Joubert syndrome. Also called: JOUBERT-BOLTSHAUSER SYNDROME; Familial aplasia of the vermis. Identifiers: Orphanet 475, MedGen C5979921, MONDO:0018772.
Meckel-Gruber syndrome. Also called: Dysencephalia splachnocystica; DYSENCEPHALIA SPLANCHNOCYSTICA; GRUBER SYNDROME. Identifiers: Orphanet 564, MedGen C0265215, MONDO:0018921.

Allele frequency attached by ClinVar (database versions not stated): gnomAD 0.00002; TOPMed 0.00002; gnomAD exomes 0.00003; ExAC 0.00005.
gnomAD v4.1: 93 of 1,591,736 alleles (0.0058%); highest among the groups gnomAD compares: Non-Finnish European, 0.0076%; no homozygotes.

Submissions (2):

CeGaT Center for Human Genetics Tuebingen
Classification: Likely benign. Last evaluated: 2026-08-01. Review status: criteria provided, single submitter. Criteria: CeGaT Center For Human Genetics Tuebingen Variant Classification Criteria Version 2. Collection method: clinical testing. Allele origin: germline. Affected: yes. Observed: 1 variant allele.
Comment: CC2D2A: BP4, BP7

Labcorp Genetics (formerly Invitae), Labcorp
Classification: Likely benign for Joubert syndrome; Meckel-Gruber syndrome. Last evaluated: 2025-12-15. Review status: criteria provided, single submitter. Criteria: Invitae Variant Classification Sherloc (09022015). Collection method: clinical testing. Allele origin: germline.